The following is an entry in ClinVar:

NM_020822.3(KCNT1):c.3650G>T (p.Ser1217Ile)

Gene: KCNT1 (potassium sodium-activated channel subfamily T member 1; plus strand). Cytogenetic location: 9q34.3.
Variant type: single nucleotide variant.
Coding change: c.3650G>T on transcript NM_020822.3 (MANE Select); coding-DNA position 3650, G replaced by T.
Protein change: p.Ser1217Ile; replaces serine 1217 with isoleucine.
Molecular consequence: missense variant.
Genome position (GRCh38, 1-based): chr9:135,792,103, G>T. VCF-style: chr9-135792103-G-T. GRCh37 (hg19) VCF-style: chr9-138683949-G-T.
Other names: c.3650G>T (NM_020822.2); c.3578G>T, p.Ser1193Ile (NM_001272003.2); short protein forms S1217I, S1193I.
Identifiers: ClinVar variation 2079883 (VCV002079883.5), dbSNP rs376398883, ClinGen allele CA201431998.
Genomic context (GRCh38, chr9:135,792,103, plus strand): 5'-ATCTCATCCGCTCCGACCCCCTGGCTCACGTGGCCAGCAGCTCCCAGAGCCGGAAGAGCA[G>T]CTGCAGCCACAAGCTGTCGTCCTGCAACCCCGAGACTCGCGACGAGACACAGCTCTGAGC-3'
Protein context (NP_065873.2, residues 1207-1227): VASSSQSRKS[Ser1217Ile]CSHKLSSCNP

ClinVar aggregate classification (germline): Conflicting classifications of pathogenicity. Review status: criteria provided, conflicting classifications (1 of 4 stars). 2 submissions from 2 submitters: Uncertain significance (1); Likely benign (1). Last evaluated 2026-05-08.

Conditions:
Autosomal dominant nocturnal frontal lobe epilepsy 5. Also called: Epilepsy, nocturnal frontal lobe, 5; CILIARY DYSKINESIA, PRIMARY, 28, WITHOUT SITUS INVERSUS; CILIARY DYSKINESIA, PRIMARY, 28, WITH SITUS INVERSUS; KCNT1-Related Epilepsy. Identifiers: Orphanet 98784, MedGen C3554306, MONDO:0014002, OMIM 615005.
Developmental and epileptic encephalopathy, 14 (DEE14). Also called: Early infantile epileptic encephalopathy 14. Identifiers: Orphanet 293181, MedGen C3554195, MONDO:0013989, OMIM 614959.
Inborn genetic diseases. Identifiers: MedGen C0950123, MeSH D030342.

Allele frequency attached by ClinVar (database versions not stated): TOPMed 0.00001; gnomAD 0.00001; ESP Exome Variant Server 0.00008.
gnomAD v4.1: 11 of 1,604,502 alleles (0.00069%); highest among the groups gnomAD compares: Non-Finnish European, 0.00093%; no homozygotes.

Submissions (2):

Ambry Genetics
Classification: Likely benign for Inborn genetic diseases. Last evaluated: 2026-05-08. Review status: criteria provided, single submitter. Criteria: Ambry Variant Classification Scheme 2023. Collection method: clinical testing. Allele origin: germline.

Labcorp Genetics (formerly Invitae), Labcorp
Classification: Uncertain significance for Autosomal dominant nocturnal frontal lobe epilepsy 5; Developmental and epileptic encephalopathy, 14. Last evaluated: 2022-04-29. Review status: criteria provided, single submitter. Criteria: Invitae Variant Classification Sherloc (09022015). Collection method: clinical testing. Allele origin: germline.
Comment: This variant is not present in population databases (gnomAD no frequency). In summary, the available evidence is currently insufficient to determine the role of this variant in disease. Therefore, it has been classified as a Variant of Uncertain Significance. Algorithms developed to predict the effect of missense changes on protein structure and function are either unavailable or do not agree on the potential impact of this missense change (SIFT: "Deleterious"; PolyPhen-2: "Possibly Damaging"; Align-GVGD: "Class C0"). This variant has not been reported in the literature in individuals affected with KCNT1-related conditions. This sequence change replaces serine, which is neutral and polar, with isoleucine, which is neutral and non-polar, at codon 1217 of the KCNT1 protein (p.Ser1217Ile).